The following is an entry in ClinVar:

ClinVar aggregate classification (germline): Uncertain significance (1 of 4 stars; one submission).

Conditions:
Congenital anomaly of kidney and urinary tract. Also called: Congenital anomalies of the kidney and urinary tract; Congenital anomalies of kidney and urinary tract. Identifiers: Orphanet 93545, MedGen C1968949, MeSH C566906, MONDO:0019719.
Congenital heart disease (CHD). Identifiers: MedGen C0152021, MONDO:0005453. Disease mechanism: unknown.

gnomAD v4.1: 1 of 1,590,808 alleles (0.000063%); highest among the groups gnomAD compares: Non-Finnish European, 0.000085%; no homozygotes.

Submission:

Institute Of Molecular Biology And Genetics, Federal Almazov National Medical Research Centre
Classification: Uncertain significance for Congenital heart disease; Congenital anomaly of kidney and urinary tract. Last evaluated: 2026-04-01. Review status: criteria provided, single submitter. Criteria: ACMG Guidelines, 2015. Collection method: clinical testing. Allele origin: germline. Affected: yes. Observed: 1 variant allele.
Comment: The variant NM_004557.4:c.5299-1G>A affects the canonical acceptor splice site in the NOTCH4 gene, and is predicted to disrupt RNA splicing (PVS1). The variant has an extremely low allele frequency in public databases (ƒ = 0.00001383, GnomAD v4.1.0) (PM2). The available evidence is currently insufficient to determine the role of this variant in disease, therefore, it has been classified as a Variant of Uncertain Significance.

NM_004557.4(NOTCH4):c.5299-1G>A

Gene: NOTCH4 (notch receptor 4; minus strand). Cytogenetic location: 6p21.32.
Variant type: single nucleotide variant.
Coding change: c.5299-1G>A on transcript NM_004557.4 (MANE Select); the canonical splice acceptor site of the intron before coding-DNA position 5299, G replaced by A.
Molecular consequence: splice acceptor variant.
Genome position (GRCh38, 1-based): chr6:32,196,151, C>T on the plus strand (G>A on the coding strand, the complement: NOTCH4 is on the minus strand). VCF-style: chr6-32196151-C-T. GRCh37 (hg19) VCF-style: chr6-32163928-C-T.
Identifiers: ClinVar variation 4820335 (VCV004820335.1), dbSNP rs752207666.
Genomic context (GRCh38, chr6:32,196,151, plus strand): 5'-CAGTAGCTGGGCTACTTCCACCGCTCCTTCCCGCGCCGCCAGGAATAGCGGCGTCTGCTC[C>T]TGTACAGAAGAGCCAGGGCCGATATCAGGGAAGGCCACGCCCACAGGACTGGGCCTTTCT-3'